The following is an entry in ClinVar:

ClinVar aggregate classification (germline): Likely benign (1 of 4 stars; one submission).

gnomAD v4.1: 14 of 152,190 alleles (0.0092%); highest among the groups gnomAD compares: Middle Eastern, 0.34%; no homozygotes.

Submission:

CeGaT Center for Human Genetics Tuebingen
Classification: Likely benign. Last evaluated: 2025-03-01. Review status: criteria provided, single submitter. Criteria: CeGaT Center For Human Genetics Tuebingen Variant Classification Criteria Version 2. Collection method: clinical testing. Allele origin: germline. Affected: yes. Observed: 1 variant allele.
Comment: RHOBTB2: BP4, BP7

NM_001160036.2(RHOBTB2):c.56+2442A>G

Genes: RHOBTB2 (Rho related BTB domain containing 2; plus strand), RHOBTB2-AS1 (RHOBTB2 antisense RNA 1; minus strand). Cytogenetic location: 8p21.3.
Variant type: single nucleotide variant.
Coding change: c.56+2442A>G on transcript NM_001160036.2; 2442 bases into the intron after coding-DNA position 56, A replaced by G.
Molecular consequence: intron variant. On other transcripts: 5 prime UTR variant (1).
Genome position (GRCh38, 1-based): chr8:22,997,081, A>G. VCF-style: chr8-22997081-A-G. GRCh37 (hg19) VCF-style: chr8-22854594-A-G.
Other names: c.-19A>G (NM_001374791.1); c.11+1199A>G (NM_001160037.2).
Identifiers: ClinVar variation 3778319 (VCV003778319.7).